The following is an entry in ClinVar:

NM_000280.4(PAX6):c.*4599T>G

Genes: ELP4 (elongator acetyltransferase complex subunit 4; plus strand), PAX6 (paired box 6; minus strand). Cytogenetic location: 11p13.
Variant type: single nucleotide variant.
Coding change: c.*4599T>G on transcript NM_000280.4; 4599 bases downstream of the stop codon, T replaced by G.
Molecular consequence: 3 prime UTR variant (on NM_019040.5).
Genome position (GRCh38, 1-based): chr11:31,785,335, A>C on the plus strand (T>G on the coding strand, the complement: PAX6 is on the minus strand). VCF-style: chr11-31785335-A-C. GRCh37 (hg19) VCF-style: chr11-31806883-A-C.
Other names: c.*1797A>C (NM_001288725.2); c.*1906A>C (NM_001288726.2); c.*1811A>C (NM_019040.5).
Identifiers: ClinVar variation 304293 (VCV000304293.8), dbSNP rs185968715, ClinGen allele CA10634547.

ClinVar aggregate classification (germline): Benign/Likely benign. Review status: criteria provided, single submitter (1 of 4 stars). 5 submissions from 1 submitter: Benign (4); Likely benign (1). Last evaluated 2018-01-12.

Conditions:
Anophthalmia-microphthalmia syndrome. Also called: Anophthalmia/Microphthalmia; Anophthalmia - microphthalmia. Identifiers: Orphanet 98555, MedGen C5680330, MONDO:0020147.
Autosomal dominant keratitis. Also called: Keratitis, hereditary. Identifiers: Orphanet 2334, MedGen C1835698, MONDO:0007848, OMIM 148190.
11p partial monosomy syndrome (WAGR). Also called: WAGR Spectrum Disorder; WAGR syndrome; WAGR Complex; CHROMOSOME 11p13 DELETION SYNDROME. Identifiers: Orphanet 893, MedGen C0206115, MONDO:0008681, OMIM 194072.
Foveal hypoplasia 1. Also called: FOVEAL HYPOPLASIA 1 WITH OR WITHOUT ANTERIOR SEGMENT ANOMALIES AND/OR CATARACT; FOVEAL HYPOPLASIA 1 WITH ANTERIOR SEGMENT ANOMALIES. Identifiers: Orphanet 2253, MedGen C3805604, MONDO:0007628, OMIM 136520.
carboxymethyl-dextran-A2-gadolinium-DOTA.

Allele frequency attached by ClinVar (database versions not stated): TOPMed 0.00141; 1000 Genomes Project 30x 0.00172; 1000 Genomes Project 0.00200.
gnomAD v4.1: 210 of 183,592 alleles (0.11%); highest among the groups gnomAD compares: African/African-American, 0.45%; no homozygotes.

Submissions (5):

Illumina Laboratory Services, Illumina
Classification: Likely benign for Anophthalmia-microphthalmia syndrome. Last evaluated: 2018-01-12. Review status: criteria provided, single submitter. Criteria: ICSL Variant Classification Criteria 13 December 2019. Collection method: clinical testing. Allele origin: germline.
Comment: This variant was observed in the ICSL laboratory as part of a predisposition screen in an ostensibly healthy population. It had not been previously curated by ICSL or reported in the Human Gene Mutation Database (HGMD: prior to June 1st, 2018), and was therefore a candidate for classification through an automated scoring system. Utilizing variant allele frequency, disease prevalence and penetrance estimates, and inheritance mode, an automated score was calculated to assess if this variant is too frequent to cause the disease. Based on the score and internal cut-off values, a variant classified as likely benign is not then subjected to further curation. The score for this variant resulted in a classification of likely benign for this disease.

Illumina Laboratory Services, Illumina
Classification: Benign for Autosomal dominant keratitis. Last evaluated: 2018-01-12. Review status: criteria provided, single submitter. Criteria: ICSL Variant Classification Criteria 13 December 2019. Collection method: clinical testing. Allele origin: germline.
Comment: This variant was observed in the ICSL laboratory as part of a predisposition screen in an ostensibly healthy population. It had not been previously curated by ICSL or reported in the Human Gene Mutation Database (HGMD: prior to June 1st, 2018), and was therefore a candidate for classification through an automated scoring system. Utilizing variant allele frequency, disease prevalence and penetrance estimates, and inheritance mode, an automated score was calculated to assess if this variant is too frequent to cause the disease. Based on the score and internal cut-off values, a variant classified as benign is not then subjected to further curation. The score for this variant resulted in a classification of benign for this disease.

Illumina Laboratory Services, Illumina
Classification: Benign for Wilms tumor, aniridia, genitourinary anomalies, and mental retardation syndrome. Last evaluated: 2018-01-12. Review status: criteria provided, single submitter. Criteria: ICSL Variant Classification Criteria 13 December 2019. Collection method: clinical testing. Allele origin: germline.
Comment: the same text as in the submission from Illumina Laboratory Services, Illumina above.

Illumina Laboratory Services, Illumina
Classification: Benign for Foveal hypoplasia 1. Last evaluated: 2018-01-12. Review status: criteria provided, single submitter. Criteria: ICSL Variant Classification Criteria 13 December 2019. Collection method: clinical testing. Allele origin: germline.
Comment: the same text as in the submission from Illumina Laboratory Services, Illumina above.

Illumina Laboratory Services, Illumina
Classification: Benign for carboxymethyl-dextran-A2-gadolinium-DOTA. Last evaluated: 2018-01-12. Review status: criteria provided, single submitter. Criteria: ICSL Variant Classification Criteria 13 December 2019. Collection method: clinical testing. Allele origin: germline.
Comment: the same text as in the submission from Illumina Laboratory Services, Illumina above.